The following is an entry in ClinVar:

ClinVar aggregate classification (germline): Conflicting classifications of pathogenicity. Review status: criteria provided, conflicting classifications (1 of 4 stars). 7 submissions from 7 submitters: Pathogenic (4); Likely pathogenic (1); Uncertain significance (1). 1 of the submissions does not count toward it. Last evaluated 2026-08-06.

Conditions:
Seckel syndrome 10 (SCKL10). Identifiers: MedGen C4310647, MONDO:0014991, OMIM 617253.

Submissions (7):

OLLIN Analises Genomicas, OLLIN
Classification: Pathogenic for Seckel syndrome 10. Last evaluated: 2026-08-06. Review status: criteria provided, single submitter. Criteria: ACMG Guidelines 2015 PMID 25741868. Collection method: clinical testing. Allele origin: germline. Inheritance: Autosomal recessive inheritance.
Comment: This frameshift variant, located in exon 5 (of 8), has been reported in ClinVar (accession VCV000372285.10), in gnomAD with an allele frequency of 0.022%, and in the scientific literature, in compound heterozygosity, in individuals with NSMCE2 related disorders (PMID: 25105364). This variant causes a frameshift and introduces a premature stop codon, which is predicted to result in either a truncated protein or degradation of the mRNA via nonsense-mediated decay (NMD). According to the currently available evidence, this variant has been classified as pathogenic (PVS1, PM2_P, PM3).

Dasa
Classification: Likely pathogenic for Seckel syndrome 10. Last evaluated: 2026-03-06. Review status: criteria provided, single submitter. Criteria: DASA Assertion Criteria. Collection method: clinical testing. Allele origin: germline.
Comment: NM_173685.4(NSMCE2):c.346del (p.Ser116Leufs*18) is a frameshift variant in NSMCE2 predicted to alter the reading frame and introduce a premature termination codon and is predicted to result in an absent or altered protein product. Loss of function is an established disease mechanism for NSMCE2-associated disorders. Also, this variant is rare in population databases. Based on the currently available evidence, this variant is classified as likely pathogenic.

Labcorp Genetics (formerly Invitae), Labcorp
Classification: Pathogenic. Last evaluated: 2025-10-02. Review status: criteria provided, single submitter. Criteria: Invitae Variant Classification Sherloc (09022015). Collection method: clinical testing. Allele origin: germline.
Comment: This sequence change creates a premature translational stop signal (p.Ser116Leufs*18) in the NSMCE2 gene. It is expected to result in an absent or disrupted protein product. Loss-of-function variants in NSMCE2 are known to be pathogenic (PMID: 25105364, 26443207). This variant is present in population databases (rs757613817, gnomAD 0.03%). This premature translational stop signal has been observed in individual(s) with clinical features of NSMCE2-related conditions (PMID: 25105364). ClinVar contains an entry for this variant (Variation ID: 372285). For these reasons, this variant has been classified as Pathogenic.

Institute of Medical Genetics and Applied Genomics, University Hospital Tübingen
Classification: Pathogenic for Seckel syndrome 10. Last evaluated: 2025-01-24. Review status: criteria provided, single submitter. Criteria: ACMG Guidelines, 2015. Collection method: clinical testing. Allele origin: germline. Inheritance: Autosomal recessive inheritance. Affected: yes.

Blueprint Genetics
Classification: Uncertain significance. Last evaluated: 2024-10-23. Review status: criteria provided, single submitter. Criteria: ACMG Guidelines, 2015. Collection method: clinical testing. Allele origin: germline.

Department of Pathology and Laboratory Medicine, Sinai Health System
Classification: Pathogenic for Seckel syndrome 10. Last evaluated: 2023-09-28. Review status: criteria provided, single submitter. Criteria: ACMG Guidelines, 2015. Collection method: research. Allele origin: germline.

OMIM
Classification: Pathogenic for SECKEL SYNDROME 10. Last evaluated: 2016-12-15. Review status: no assertion criteria provided. Collection method: literature only. Allele origin: germline. Not counted in ClinVar's aggregate classification.

Literature cited by the submitters: PubMed 25105364 (cited by 3 submitters); PubMed 26443207 (cited by Labcorp Genetics (formerly Invitae), Labcorp).

NM_173685.4(NSMCE2):c.346del (p.Ser116fs)

Gene: NSMCE2 (NSE2 SUMO ligase component of SMC5/6 complex; plus strand). Cytogenetic location: 8q24.13.
Variant type: Deletion.
Coding change: c.346del on transcript NM_173685.4 (MANE Select); coding-DNA position 346, one base deleted (T; older notation c.346delT).
Protein change: p.Ser116fs; shifts the reading frame from serine 116.
Molecular consequence: frameshift variant. On other transcripts: non-coding transcript variant (2).
Genome position (GRCh38, 1-based): chr8:125,182,184, T deleted; the last of 2 consecutive T bases (chr8:125,182,183-125,182,184); deleting either gives the same sequence. VCF-style (leftmost placement, unchanged base first): chr8-125182182-AT-A. GRCh37 (hg19) VCF-style: chr8-126194424-AT-A.
Other names: c.346del, p.Ser116fs (NM_001349485.2, NM_001349486.2, NM_001349487.2); short protein forms S116fs.
Identifiers: ClinVar variation 372285 (VCV000372285.13), dbSNP rs757613817, ClinGen allele CA4874373.
Genomic context (GRCh38, chr8:125,182,182, plus strand): 5'-AAAAAATACCAGATTTAAAATTATTGGTAGAGAAGAAATTTTTGGCTTTACAGAGCAAGA[AT>A]TCTGATGCAGACTTTCAAAATAATGAAAAATTTGTACAGTTTAAACAACAGCTGAAAGAA-3'